The following is an entry in ClinVar:

NM_014633.5(CTR9):c.2165A>G (p.Tyr722Cys)

Gene: CTR9 (CTR9 component of Paf1/RNA polymerase II complex; plus strand). Cytogenetic location: 11p15.4.
Variant type: single nucleotide variant.
Coding change: c.2165A>G on transcript NM_014633.5 (MANE Select); coding-DNA position 2165, A replaced by G.
Protein change: p.Tyr722Cys; replaces tyrosine 722 with cysteine.
Molecular consequence: missense variant.
Genome position (GRCh38, 1-based): chr11:10,770,265, A>G. VCF-style: chr11-10770265-A-G. GRCh37 (hg19) VCF-style: chr11-10791812-A-G.
Other names: c.2165A>G, p.Tyr722Cys (NM_001346279.2); short protein forms Y722C.
Identifiers: ClinVar variation 969086 (VCV000969086.9), dbSNP rs1376432143, ClinGen allele CA379674544.

ClinVar aggregate classification (germline): Uncertain significance (1 of 4 stars; one submission).

Allele frequency attached by ClinVar (database versions not stated): gnomAD exomes below 0.00001; TOPMed 0.00001.
gnomAD v4.1: 9 of 1,614,054 alleles (0.00056%); highest among the groups gnomAD compares: Middle Eastern, 0.016%; no homozygotes.

Submission:

Labcorp Genetics (formerly Invitae), Labcorp
Classification: Uncertain significance. Last evaluated: 2019-10-29. Review status: criteria provided, single submitter. Criteria: Invitae Variant Classification Sherloc (09022015). Collection method: clinical testing. Allele origin: germline.
Comment: This sequence change replaces tyrosine with cysteine at codon 722 of the CTR9 protein (p.Tyr722Cys). The tyrosine residue is moderately conserved and there is a large physicochemical difference between tyrosine and cysteine. This variant is not present in population databases (ExAC no frequency). This variant has not been reported in the literature in individuals with CTR9-related conditions. Algorithms developed to predict the effect of missense changes on protein structure and function are either unavailable or do not agree on the potential impact of this missense change (SIFT: "Deleterious"; PolyPhen-2: "Possibly Damaging"; Align-GVGD: "Class C0"). In summary, the available evidence is currently insufficient to determine the role of this variant in disease. Therefore, it has been classified as a Variant of Uncertain Significance.